The following is an entry in ClinVar:

ClinVar aggregate classification (germline): Uncertain significance (1 of 4 stars; one submission).

Conditions:
Hereditary spastic paraplegia 39 (SPG39). Also called: Spastic Paraplegia Type 39 (SPG39); SPASTIC PARAPLEGIA 39, AUTOSOMAL RECESSIVE. Identifiers: Orphanet 139480, MedGen C2677586, MONDO:0012787, OMIM 612020.

Submission:

Labcorp Genetics (formerly Invitae), Labcorp
Classification: Uncertain significance for Hereditary spastic paraplegia 39. Last evaluated: 2022-08-03. Review status: criteria provided, single submitter. Criteria: Invitae Variant Classification Sherloc (09022015). Collection method: clinical testing. Allele origin: germline.
Comment: This sequence change falls in intron 16 of the PNPLA6 gene. It does not directly change the encoded amino acid sequence of the PNPLA6 protein. Information on the frequency of this variant in the gnomAD database is not available, as this variant may be reported differently in the database. This variant has not been reported in the literature in individuals affected with PNPLA6-related conditions. ClinVar contains an entry for this variant (Variation ID: 1003656). Algorithms developed to predict the effect of sequence changes on RNA splicing suggest that this variant may create or strengthen a splice site. In summary, the available evidence is currently insufficient to determine the role of this variant in disease. Therefore, it has been classified as a Variant of Uncertain Significance.

NM_001166114.2(PNPLA6):c.1608+17_1608+18inv

Gene: PNPLA6 (patatin like domain 6, lysophospholipase; plus strand). Cytogenetic location: 19p13.2.
Variant type: Inversion.
Coding change: c.1608+17_1608+18inv on transcript NM_001166114.2 (MANE Select).
Molecular consequence: intron variant.
Genome position: GRCh38 VCF-style: chr19-7543101-AC-GT. GRCh37 (hg19) VCF-style: chr19-7607987-AC-GT.
Other names: c.1491+17_1491+18inv (NM_006702.5, NM_001166113.1); c.1413+173_1413+174inv (NM_001166112.2); c.1635+17_1635+18inv (NM_001166111.2).
Identifiers: ClinVar variation 1003656 (VCV001003656.6), ClinGen allele CA2499225636.